The following is an entry in ClinVar:

NM_000094.4(COL7A1):c.7839dup (p.Gly2614fs)

Gene: COL7A1 (collagen type VII alpha 1 chain; minus strand). Cytogenetic location: 3p21.31.
Variant type: Duplication.
Coding change: c.7839dup on transcript NM_000094.4 (MANE Select); coding-DNA position 7839, one base duplicated (A; older notation c.7839dupA).
Protein change: p.Gly2614fs; shifts the reading frame from glycine 2614.
Molecular consequence: frameshift variant.
Genome position (GRCh38, 1-based): chr3:48,568,126, T duplicated on the plus strand (A on the coding strand, the reverse complement: COL7A1 is on the minus strand); the first of 5 consecutive T bases (chr3:48,568,126-48,568,130); duplicating any one gives the same sequence. VCF-style (leftmost placement, unchanged base first): chr3-48568125-C-CT. GRCh37 (hg19) VCF-style: chr3-48605558-C-CT.
Other names: c.7839dup (NM_000094.3); short protein forms G2614fs.
Identifiers: ClinVar variation 4817405 (VCV004817405.1).

ClinVar aggregate classification (germline): Likely pathogenic (1 of 4 stars; one submission).

Conditions:
Epidermolysis bullosa dystrophica. Also called: Dystrophic epidermolysis bullosa, Hallopeau-Siemens type (formerly); Dystrophic epidermolysis bullosa. Identifiers: Orphanet 303, MedGen C0079294, MONDO:0006543.

Submission:

Natera, Inc.
Classification: Likely pathogenic for Dystrophic epidermolysis bullosa. Last evaluated: 2025-07-24. Review status: criteria provided, single submitter. Criteria: Natera Variant Classification Schema (03/2026). Collection method: clinical testing. Allele origin: germline.
Comment: The c.7839dup variant in COL7A1 is a frameshift variant predicted to shift the reading frame beginning at codon 2614 and leads to a stop codon 14 codons downstream. This variant is expected to result in nonsense mediated decay, truncation, or a dysfunctional protein product. This variant is rare in the general population with a frequency below the threshold expected for the associated phenotype(s). Given the available evidence, this variant is classified as Likely Pathogenic.